The following is an entry in ClinVar:

NM_002528.7(NTHL1):c.257A>G (p.Gln86Arg)

Gene: NTHL1 (nth like DNA glycosylase 1; minus strand). Cytogenetic location: 16p13.3.
Variant type: single nucleotide variant.
Coding change: c.257A>G on transcript NM_002528.7 (MANE Select); coding-DNA position 257, A replaced by G.
Protein change: p.Gln86Arg; replaces glutamine 86 with arginine.
Molecular consequence: missense variant. On other transcripts: intron variant (1).
Genome position (GRCh38, 1-based): chr16:2,046,225, T>C on the plus strand (A>G on the coding strand, the complement: NTHL1 is on the minus strand). VCF-style: chr16-2046225-T-C. GRCh37 (hg19) VCF-style: chr16-2096226-T-C.
Other names: c.281A>G (NM_002528.6); c.257A>G, p.Gln86Arg (NM_001318193.2); c.24+55A>G (NM_001318194.2); short protein forms Q86R.
Identifiers: ClinVar variation 1502757 (VCV001502757.10), dbSNP rs369262985, ClinGen allele CA276765653.
Genomic context (GRCh38, chr16:2,046,225, plus strand): 5'-CCCAGATGGTCCACAGGTGCATCCTTTTTGTTCCTCATGGCACGGATGTTGACCAGCTGT[T>C]GCTGCCAGTCCTGGGGCTCCCAGACTGGCACCTTGAGGGGCTCAGCCCCCTCACCTTTCT-3'
Protein context (NP_002519.2, residues 76-96): VPVWEPQDWQ[Gln86Arg]QLVNIRAMRN

ClinVar aggregate classification (germline): Uncertain significance. Review status: criteria provided, multiple submitters, no conflicts (2 of 4 stars). 3 submissions from 3 submitters: Uncertain significance (3). Last evaluated 2025-05-28.

Conditions:
Hereditary cancer-predisposing syndrome. Also called: Hereditary neoplastic syndrome; Tumor predisposition; Neoplastic Syndromes, Hereditary; Hereditary Cancer Syndrome. Identifiers: Orphanet 140162, MedGen C0027672, MeSH D009386, MONDO:0015356.

Allele frequency attached by ClinVar (database versions not stated): gnomAD exomes below 0.00001; TOPMed 0.00002; gnomAD 0.00003 and 0.00004; ESP Exome Variant Server 0.00008.
gnomAD v4.1: 6 of 1,613,104 alleles (0.00037%); highest among the groups gnomAD compares: African/African-American, 0.0067%; no homozygotes.

Submissions (3):

Quest Diagnostics Nichols Institute San Juan Capistrano
Classification: Uncertain significance. Last evaluated: 2025-05-28. Review status: criteria provided, single submitter. Criteria: Quest Diagnostics criteria. Collection method: clinical testing. Allele origin: unknown.
Comment: The NTHL1 c.281A>G (p.Gln94Arg) variant has not been reported in individuals with NTHL1-related conditions in the published literature. The frequency of this variant in the general population (Genome Aggregation Database) is uninformative in the assessment of its pathogenicity. Analysis of this variant using bioinformatics tools for the prediction of the effect of amino acid changes on protein structure and function yielded predictions that this variant is benign. Based on the available information, we are unable to determine the clinical significance of this variant.

Ambry Genetics
Classification: Uncertain significance for Hereditary cancer-predisposing syndrome. Last evaluated: 2024-06-21. Review status: criteria provided, single submitter. Criteria: Ambry Variant Classification Scheme 2023. Collection method: clinical testing. Allele origin: germline.
Comment: The p.Q94R variant (also known as c.281A>G), located in coding exon 2 of the NTHL1 gene, results from an A to G substitution at nucleotide position 281. The glutamine at codon 94 is replaced by arginine, an amino acid with highly similar properties. This amino acid position is conserved. In addition, this alteration is predicted to be tolerated by in silico analysis. Since supporting evidence is limited at this time, the clinical significance of this alteration remains unclear.

Labcorp Genetics (formerly Invitae), Labcorp
Classification: Uncertain significance. Last evaluated: 2023-08-18. Review status: criteria provided, single submitter. Criteria: Invitae Variant Classification Sherloc (09022015). Collection method: clinical testing. Allele origin: germline.
Comment: This sequence change replaces glutamine, which is neutral and polar, with arginine, which is basic and polar, at codon 94 of the NTHL1 protein (p.Gln94Arg). This variant is present in population databases (rs369262985, gnomAD 0.01%). This variant has not been reported in the literature in individuals affected with NTHL1-related conditions. ClinVar contains an entry for this variant (Variation ID: 1502757). Algorithms developed to predict the effect of missense changes on protein structure and function output the following: SIFT: "Not Available"; PolyPhen-2: "Benign"; Align-GVGD: "Not Available". The arginine amino acid residue is found in multiple mammalian species, which suggests that this missense change does not adversely affect protein function. In summary, the available evidence is currently insufficient to determine the role of this variant in disease. Therefore, it has been classified as a Variant of Uncertain Significance.